The following is an entry in ClinVar:

NM_024422.6(DSC2):c.1891A>G (p.Thr631Ala)

Gene: DSC2 (desmocollin 2; minus strand). Cytogenetic location: 18q12.1.
Variant type: single nucleotide variant.
Coding change: c.1891A>G on transcript NM_024422.6 (MANE Select); coding-DNA position 1891, A replaced by G.
Protein change: p.Thr631Ala; replaces threonine 631 with alanine.
Molecular consequence: missense variant.
Genome position (GRCh38, 1-based): chr18:31,071,839, T>C on the plus strand (A>G on the coding strand, the complement: DSC2 is on the minus strand). VCF-style: chr18-31071839-T-C. GRCh37 (hg19) VCF-style: chr18-28651805-T-C.
Other names: c.1462A>G, p.Thr488Ala (NM_001406506.1, NM_001406507.1); c.1891A>G, p.Thr631Ala (NM_004949.5); short protein forms T488A, T631A.
Identifiers: ClinVar variation 3607172 (VCV003607172.2).

ClinVar aggregate classification (germline): Uncertain significance (1 of 4 stars; one submission).

Conditions:
Arrhythmogenic right ventricular dysplasia 11. Also called: ARRHYTHMOGENIC RIGHT VENTRICULAR DYSPLASIA, FAMILIAL, 11; Arrhythmogenic Right Ventricular Dysplasia/Cardiomyopathy11; Arrhythmogenic right ventricular dysplasia 11 with mild palmoplantar keratoderma and woolly hair. Identifiers: MedGen C1864850, MONDO:0012506, OMIM 610476.

Submission:

Labcorp Genetics (formerly Invitae), Labcorp
Classification: Uncertain significance for Arrhythmogenic right ventricular dysplasia 11. Last evaluated: 2024-10-04. Review status: criteria provided, single submitter. Criteria: Invitae Variant Classification Sherloc (09022015). Collection method: clinical testing. Allele origin: germline.
Comment: This sequence change replaces threonine, which is neutral and polar, with alanine, which is neutral and non-polar, at codon 631 of the DSC2 protein (p.Thr631Ala). This variant is not present in population databases (gnomAD no frequency). This variant has not been reported in the literature in individuals affected with DSC2-related conditions. An algorithm developed to predict the effect of missense changes on protein structure and function (PolyPhen-2) suggests that this variant is likely to be disruptive. In summary, the available evidence is currently insufficient to determine the role of this variant in disease. Therefore, it has been classified as a Variant of Uncertain Significance.